The following is an entry in ClinVar:

NM_013339.4(ALG6):c.974_984del (p.Phe325fs)

Gene: ALG6 (ALG6 alpha-1,3-glucosyltransferase; plus strand). Cytogenetic location: 1p31.3.
Variant type: Deletion.
Coding change: c.974_984del on transcript NM_013339.4 (MANE Select); coding-DNA positions 974 to 984, 11 bases deleted (TCAAATTTACA).
Protein change: p.Phe325fs; shifts the reading frame from phenylalanine 325.
Molecular consequence: frameshift variant.
Genome position (GRCh38, 1-based): chr1:63,415,944-63,415,954, TCAAATTTACA deleted. VCF-style (leftmost placement, unchanged base first): chr1-63415943-TTCAAATTTACA-T. GRCh37 (hg19) VCF-style: chr1-63881614-TTCAAATTTACA-T.
Other names: short protein forms F325fs.
Identifiers: ClinVar variation 2752249 (VCV002752249.3), dbSNP rs2523760827, ClinGen allele CA2697552460.

ClinVar aggregate classification (germline): Pathogenic (1 of 4 stars; one submission).

Conditions:
ALG6-congenital disorder of glycosylation 1C (CDG1C). Also called: Congenital disorder of glycosylation type 1C; Congenital disorder of glycosylation, type Ic; CDG Ic; CARBOHYDRATE-DEFICIENT GLYCOPROTEIN SYNDROME, TYPE I, WITH DEFICIENT GLYCOSYLATION OF DOLICHOL-LINKED OLIGOSACCHARIDE; CARBOHYDRATE-DEFICIENT GLYCOPROTEIN SYNDROME, TYPE V. Identifiers: Orphanet 79320, MedGen C2930997, MONDO:0011291, OMIM 603147.

Submission:

Labcorp Genetics (formerly Invitae), Labcorp
Classification: Pathogenic for ALG6-congenital disorder of glycosylation 1C. Last evaluated: 2023-08-11. Review status: criteria provided, single submitter. Criteria: Invitae Variant Classification Sherloc (09022015). Collection method: clinical testing. Allele origin: germline.
Comment: For these reasons, this variant has been classified as Pathogenic. This variant has not been reported in the literature in individuals affected with ALG6-related conditions. This variant is not present in population databases (gnomAD no frequency). This sequence change creates a premature translational stop signal (p.Phe325Serfs*3) in the ALG6 gene. It is expected to result in an absent or disrupted protein product. Loss-of-function variants in ALG6 are known to be pathogenic (PMID: 19862844).

Literature cited by the submitters: PubMed 19862844.